The following is an entry in ClinVar:

NM_006642.5(SDCCAG8):c.766A>C (p.Thr256Pro)

Gene: SDCCAG8 (SHH signaling and ciliogenesis regulator SDCCAG8; plus strand). Cytogenetic location: 1q43.
Variant type: single nucleotide variant.
Coding change: c.766A>C on transcript NM_006642.5 (MANE Select); coding-DNA position 766, A replaced by C.
Protein change: p.Thr256Pro; replaces threonine 256 with proline.
Molecular consequence: missense variant. On other transcripts: 5 prime UTR variant (3).
Genome position (GRCh38, 1-based): chr1:243,308,014, A>C. VCF-style: chr1-243308014-A-C. GRCh37 (hg19) VCF-style: chr1-243471316-A-C.
Other names: c.-138A>C (NM_001350246.2, NM_001350247.2, NM_001350251.2); c.862A>C, p.Thr288Pro (NM_001350248.2); c.472A>C, p.Thr158Pro (NM_001350249.2); short protein forms T158P, T256P, T288P.
Identifiers: ClinVar variation 1022905 (VCV001022905.8), dbSNP rs2072330865, ClinGen allele CA345479009.

ClinVar aggregate classification (germline): Uncertain significance (1 of 4 stars; one submission).

Conditions:
Senior-Loken syndrome 7 (SLSN7). Identifiers: Orphanet 3156, MedGen C3150877, MONDO:0013326, OMIM 613615.
Bardet-Biedl syndrome 16 (BBS16). Identifiers: Orphanet 110, MedGen C3889474, MONDO:0014444, OMIM 615993.

Submission:

Labcorp Genetics (formerly Invitae), Labcorp
Classification: Uncertain significance for Bardet-Biedl syndrome 16; Senior-Loken syndrome 7. Last evaluated: 2022-08-23. Review status: criteria provided, single submitter. Criteria: Invitae Variant Classification Sherloc (09022015). Collection method: clinical testing. Allele origin: germline.
Comment: In summary, the available evidence is currently insufficient to determine the role of this variant in disease. Therefore, it has been classified as a Variant of Uncertain Significance. Algorithms developed to predict the effect of missense changes on protein structure and function (SIFT, PolyPhen-2, Align-GVGD) all suggest that this variant is likely to be tolerated. ClinVar contains an entry for this variant (Variation ID: 1022905). This variant has not been reported in the literature in individuals affected with SDCCAG8-related conditions. This variant is not present in population databases (gnomAD no frequency). This sequence change replaces threonine, which is neutral and polar, with proline, which is neutral and non-polar, at codon 256 of the SDCCAG8 protein (p.Thr256Pro).